The following is an entry in ClinVar:

NM_000441.2(SLC26A4):c.1614+7A>G

Gene: SLC26A4 (solute carrier family 26 member 4; plus strand). Cytogenetic location: 7q22.3.
Variant type: single nucleotide variant.
Coding change: c.1614+7A>G on transcript NM_000441.2 (MANE Select); 7 bases into the intron after coding-DNA position 1614, A replaced by G.
Molecular consequence: intron variant.
Genome position (GRCh38, 1-based): chr7:107,698,118, A>G. VCF-style: chr7-107698118-A-G. GRCh37 (hg19) VCF-style: chr7-107338563-A-G.
Identifiers: ClinVar variation 592938 (VCV000592938.26), dbSNP rs199643344, ClinGen allele CA4432882.
Genomic context (GRCh38, chr7:107,698,118, plus strand): 5'-CTTGGAAGCATCCCTAGCACAGATATCTACAAAAGTACCAAGAATTACAAAAACGTAAGT[A>G]CCTTTGTGAGACATTTGCTGGACTTGGGTTTACTAGCCTGAAGTTTCAGCAGCTCCATTT-3'

ClinVar aggregate classification (germline): Conflicting classifications of pathogenicity. Review status: criteria provided, conflicting classifications (1 of 4 stars). 8 submissions from 7 submitters: Uncertain significance (2); Benign (1); Likely benign (3). 2 of the submissions do not count toward it. Last evaluated 2026-01-25.

Conditions:
SLC26A4-related disorder. Also called: SLC26A4-related condition; SLC26A4-related disorders.
Pendred syndrome (PDS). Also called: Pendred Syndrome (PDS); DEAFNESS WITH GOITER; HYPOTHYROIDISM, CONGENITAL, DUE TO DYSHORMONOGENESIS, 2B; Pendred's syndrome; GOITER-DEAFNESS SYNDROME; THYROID DYSHORMONOGENESIS 2B. Identifiers: Orphanet 705, MedGen C0271829, MONDO:0010134, OMIM 274600.
Autosomal recessive nonsyndromic hearing loss 4 (DFNB4). Also called: Nonsyndromic enlarged vestibular aqueduct (NSEVA); Deafness, autosomal recessive 4, with enlarged vestibular aqueduct; Deafness, autosomal recessive 4; Enlarged vestibular aqueduct, digenic; FOXI1-Related Pendred Syndrome; KCNJ10-Related Pendred Syndrome. Identifiers: Orphanet 90636, MedGen C3538946, MONDO:0010933, OMIM 600791.

Allele frequency attached by ClinVar (database versions not stated): ESP Exome Variant Server 0.00015; gnomAD exomes 0.00027 and 0.00052; gnomAD 0.00034; ExAC 0.00035; TOPMed 0.00036.
gnomAD v4.1: 468 of 1,582,858 alleles (0.03%); highest among the groups gnomAD compares: Admixed American, 0.03%; 2 homozygotes.

Submissions (8):

Labcorp Genetics (formerly Invitae), Labcorp
Classification: Benign. Last evaluated: 2026-01-25. Review status: criteria provided, single submitter. Criteria: Invitae Variant Classification Sherloc (09022015). Collection method: clinical testing. Allele origin: germline.

Blueprint Genetics
Classification: Likely benign. Last evaluated: 2024-10-28. Review status: criteria provided, single submitter. Criteria: ACMG Guidelines, 2015. Collection method: clinical testing. Allele origin: germline.

GeneDx
Classification: Likely benign. Last evaluated: 2018-06-08. Review status: criteria provided, single submitter. Criteria: GeneDx Variant Classification (06012015). Collection method: clinical testing. Allele origin: germline. Affected: yes.
Comment: This variant is considered likely benign or benign based on one or more of the following criteria: it is a conservative change, it occurs at a poorly conserved position in the protein, it is predicted to be benign by multiple in silico algorithms, and/or has population frequency not consistent with disease.

Eurofins Ntd Llc (ga)
Classification: Likely benign. Last evaluated: 2018-03-20. Review status: criteria provided, single submitter. Criteria: EGL ClinVar v180209 classification definitions. Collection method: clinical testing. Allele origin: germline. Observed: 2 variant alleles, 2 heterozygotes.

Illumina Laboratory Services, Illumina
Classification: Uncertain significance for Autosomal recessive nonsyndromic hearing loss 4. Last evaluated: 2017-04-27. Review status: criteria provided, single submitter. Criteria: ICSL Variant Classification Criteria 13 December 2019. Collection method: clinical testing. Allele origin: germline.
Comment: This variant was observed as part of a predisposition screen in an ostensibly healthy population. A literature search was performed for the gene, cDNA change, and amino acid change (where applicable). Publications were found based on this search. However, the evidence from the literature, in combination with allele frequency data from public databases where available, was not sufficient to rule this variant in or out of causing disease. Therefore, this variant is classified as a variant of unknown significance.

Illumina Laboratory Services, Illumina
Classification: Uncertain significance for Pendred syndrome. Last evaluated: 2017-04-27. Review status: criteria provided, single submitter. Criteria: ICSL Variant Classification Criteria 13 December 2019. Collection method: clinical testing. Allele origin: germline.

Natera, Inc.
Classification: Benign for Pendred syndrome. Last evaluated: 2019-10-22. Review status: no assertion criteria provided. Collection method: clinical testing. Allele origin: germline. Not counted in ClinVar's aggregate classification.

PreventionGenetics, part of Exact Sciences
Classification: Benign for SLC26A4-related condition. Last evaluated: 2019-04-16. Review status: no assertion criteria provided. Collection method: clinical testing. Allele origin: germline. Not counted in ClinVar's aggregate classification.
Comment: This variant is classified as benign based on ACMG/AMP sequence variant interpretation guidelines (Richards et al. 2015 PMID: 25741868, with internal and published modifications).

Literature cited by the submitters: PubMed 21704276 (cited by Illumina Laboratory Services, Illumina).